The following is an entry in ClinVar:

NM_207122.2(EXT2):c.1064_1065insCTTTT (p.Leu356fs)

Gene: EXT2 (exostosin glycosyltransferase 2; plus strand). Cytogenetic location: 11p11.2.
Variant type: Insertion.
Coding change: c.1064_1065insCTTTT on transcript NM_207122.2 (MANE Select); coding-DNA positions 1064 to 1065, CTTTT inserted.
Protein change: p.Leu356fs; shifts the reading frame from leucine 356.
Molecular consequence: frameshift variant.
Genome position: GRCh38 VCF-style: chr11-44126939-G-GTCTTT. GRCh37 (hg19) VCF-style: chr11-44148489-G-GTCTTT.
Other names: c.1163_1164insCTTTT, p.Leu389fs (NM_000401.3); c.1064_1065insCTTTT, p.Leu356fs (NM_001178083.3, NM_001389628.1, NM_001389630.1); short protein forms L356fs, L389fs.
Identifiers: ClinVar variation 5020100 (VCV005020100.1).

ClinVar aggregate classification (germline): Pathogenic (1 of 4 stars; one submission).

Conditions:
Exostoses, multiple, type 2 (EXT2). Also called: Hereditary Multiple Osteochondromatosis, Type II; EXOSTOSES, MULTIPLE, TYPE II. Identifiers: Orphanet 321, MedGen C1851413, MONDO:0007586, OMIM 133701.

Submission:

Division of Genetic & Genomic Pathology, Hong Kong Children's Hospital
Classification: Pathogenic for Exostoses, multiple, type 2. Last evaluated: 2025-03-31. Review status: criteria provided, single submitter. Criteria: ACMG Guidelines, 2015. Collection method: clinical testing. Allele origin: germline. Affected: yes.
Comment: EXT2:c.1064_1065insCTTTT p.(Leu356Phefs*82) is a frameshift variant in exon 6 of 14 in the EXT2 gene. The variant is predicted to create a premature stop codon, and to result in loss of protein function by nonsense-mediated mRNA decay, in a gene where loss-of-function is an established disease mechanism (PMID: 20301413). The variant is absent in control populations (gnomAD v.2.1.1 and gnomAD v.4.1.0). It has been reported to cosegregate in a pedigree with HME (PMID: 21039224). For these reasons, EXT2:c.1064_1065insCTTTT p.(Leu356Phefs*82) is classified as pathogenic.

Literature cited by the submitters: PubMed 20301413; PubMed 21039224.